The following is an entry in ClinVar:

ClinVar aggregate classification (germline): Likely benign. Review status: criteria provided, multiple submitters, no conflicts (2 of 4 stars). 2 submissions from 2 submitters: Likely benign (2). Last evaluated 2026-06-01.

Conditions:
Autosomal dominant nonsyndromic hearing loss 20. Identifiers: Orphanet 90635, MedGen C1858172, MONDO:0011480, OMIM 604717.
Baraitser-winter syndrome 2. Identifiers: Orphanet 2995, MedGen C3281235, MONDO:0013812, OMIM 614583.

Allele frequency attached by ClinVar (database versions not stated): ExAC 0.00002; gnomAD 0.00002; gnomAD exomes 0.00002; TOPMed 0.00003.

Submissions (2):

CeGaT Center for Human Genetics Tuebingen
Classification: Likely benign. Last evaluated: 2026-06-01. Review status: criteria provided, single submitter. Criteria: CeGaT Center For Human Genetics Tuebingen Variant Classification Criteria Version 2. Collection method: clinical testing. Allele origin: germline. Affected: yes. Observed: 1 variant allele.
Comment: ACTG1: BP4, BP7

Labcorp Genetics (formerly Invitae), Labcorp
Classification: Likely benign for Baraitser-winter syndrome 2; Autosomal dominant nonsyndromic hearing loss 20. Last evaluated: 2023-02-06. Review status: criteria provided, single submitter. Criteria: Invitae Variant Classification Sherloc (09022015). Collection method: clinical testing. Allele origin: germline.

NM_001614.5(ACTG1):c.882C>T (p.Tyr294=)

Gene: ACTG1 (actin gamma 1; minus strand). Cytogenetic location: 17q25.3.
Variant type: single nucleotide variant.
Coding change: c.882C>T on transcript NM_001614.5 (MANE Select); coding-DNA position 882, C replaced by T.
Protein change: p.Tyr294=; no amino-acid change (tyrosine 294 retained).
Molecular consequence: synonymous variant. On other transcripts: non-coding transcript variant (1).
Genome position (GRCh38, 1-based): chr17:81,511,029, G>A on the plus strand (C>T on the coding strand, the complement: ACTG1 is on the minus strand). VCF-style: chr17-81511029-G-A. GRCh37 (hg19) VCF-style: chr17-79478055-G-A.
Other names: c.882C>T, p.Tyr294= (NM_001199954.3).
Identifiers: ClinVar variation 1960963 (VCV001960963.7), dbSNP rs781790112, ClinGen allele CA8835914.